The following is an entry in ClinVar:

ClinVar aggregate classification (germline): Uncertain significance. Review status: criteria provided, multiple submitters, no conflicts (2 of 4 stars). 2 submissions from 2 submitters: Uncertain significance (2). Last evaluated 2024-06-28.

Conditions:
Birt-Hogg-Dube syndrome. Also called: Birt Hogg Dubé syndrome. Identifiers: Orphanet 122, MedGen C0346010, MONDO:0800444.
Hereditary cancer-predisposing syndrome. Also called: Neoplastic Syndromes, Hereditary; Hereditary neoplastic syndrome; Tumor predisposition; Hereditary Cancer Syndrome. Identifiers: Orphanet 140162, MedGen C0027672, MeSH D009386, MONDO:0015356.

Submissions (2):

Labcorp Genetics (formerly Invitae), Labcorp
Classification: Uncertain significance for Birt-Hogg-Dube syndrome. Last evaluated: 2024-06-28. Review status: criteria provided, single submitter. Criteria: Invitae Variant Classification Sherloc (09022015). Collection method: clinical testing. Allele origin: germline.
Comment: This sequence change replaces alanine, which is neutral and non-polar, with glycine, which is neutral and non-polar, at codon 90 of the FLCN protein (p.Ala90Gly). This variant is not present in population databases (gnomAD no frequency). This variant has not been reported in the literature in individuals affected with FLCN-related conditions. Advanced modeling of protein sequence and biophysical properties (such as structural, functional, and spatial information, amino acid conservation, physicochemical variation, residue mobility, and thermodynamic stability) performed at Invitae indicates that this missense variant is not expected to disrupt FLCN protein function with a negative predictive value of 80%. In summary, the available evidence is currently insufficient to determine the role of this variant in disease. Therefore, it has been classified as a Variant of Uncertain Significance.

Ambry Genetics
Classification: Uncertain significance for Hereditary cancer-predisposing syndrome. Last evaluated: 2024-05-18. Review status: criteria provided, single submitter. Criteria: Ambry Variant Classification Scheme 2023. Collection method: clinical testing. Allele origin: germline.
Comment: The p.A90G variant (also known as c.269C>G), located in coding exon 2 of the FLCN gene, results from a C to G substitution at nucleotide position 269. The alanine at codon 90 is replaced by glycine, an amino acid with similar properties. This amino acid position is conserved. In addition, this alteration is predicted to be tolerated by in silico analysis. Based on the available evidence, the clinical significance of this variant remains unclear.

NM_144997.7(FLCN):c.269C>G (p.Ala90Gly)

Gene: FLCN (folliculin; minus strand). Cytogenetic location: 17p11.2.
Variant type: single nucleotide variant.
Coding change: c.269C>G on transcript NM_144997.7 (MANE Select); coding-DNA position 269, C replaced by G.
Protein change: p.Ala90Gly; replaces alanine 90 with glycine.
Molecular consequence: missense variant.
Genome position (GRCh38, 1-based): chr17:17,226,303, G>C on the plus strand (C>G on the coding strand, the complement: FLCN is on the minus strand). VCF-style: chr17-17226303-G-C. GRCh37 (hg19) VCF-style: chr17-17129617-G-C.
Other names: c.269C>G, p.Ala90Gly (NM_001353229.2, NM_001353230.2, NM_001353231.2 and 1 more transcripts); short protein forms A90G.
Identifiers: ClinVar variation 3279031 (VCV003279031.3).
Genomic context (GRCh38, chr17:17,226,303, plus strand): 5'-TGGTGGCTGACGTATTTAATGGAGGTCTCTTTATCATGGCTGATATATCCCGGGTGCCCT[G>C]CAGCAAGTGACCGGCAGCCCTGTCCATGAAAAGGAAAAGTAAATCTGTTAGTTGGGAAGC-3'
Protein context (NP_659434.2, residues 80-100): DMCEGCRSLA[Ala90Gly]GHPGYISHDK